The following is an entry in ClinVar:

ClinVar aggregate classification (germline): Uncertain significance. Review status: criteria provided, multiple submitters, no conflicts (2 of 4 stars). 10 submissions from 10 submitters: Uncertain significance (10). Last evaluated 2026-08-06.

Conditions:
Hereditary nonpolyposis colorectal neoplasms. Identifiers: MedGen C0009405, MeSH D003123.
Endometrial carcinoma. Also called: Endometrial carcinoma, somatic. Identifiers: MedGen C0476089, MONDO:0002447, OMIM 608089, HP:0012114.
Lynch syndrome 5 (LYNCH5). Also called: Colorectal cancer, hereditary nonpolyposis, type 5; Hereditary non-polyposis colorectal cancer, type 5. Identifiers: Orphanet 144, MedGen C1833477, MONDO:0013710, OMIM 614350. Disease mechanism: loss of function.
Mismatch repair cancer syndrome 3. Identifiers: MedGen C5436807, MONDO:0030841, OMIM 619097.
Hereditary cancer-predisposing syndrome. Also called: Tumor predisposition; Hereditary neoplastic syndrome; Neoplastic Syndromes, Hereditary; Hereditary Cancer Syndrome. Identifiers: Orphanet 140162, MedGen C0027672, MeSH D009386, MONDO:0015356.
Lynch syndrome. Identifiers: Orphanet 144, MedGen C4552100, MONDO:0005835. Disease mechanism: loss of function.

Allele frequency attached by ClinVar (database versions not stated): TOPMed 0.00001; ExAC 0.00001.
gnomAD v4.1: 17 of 1,614,166 alleles (0.0011%); highest among the groups gnomAD compares: East Asian, 0.0022%; no homozygotes.

Submissions (10):

OLLIN Analises Genomicas, OLLIN
Classification: Uncertain significance for Endometrial carcinoma. Last evaluated: 2026-08-06. Review status: criteria provided, single submitter. Criteria: ACMG Guidelines 2015 PMID 25741868. Collection method: clinical testing. Allele origin: germline. Inheritance: Autosomal dominant inheritance.
Comment: This missense variant, located in exon 4 (of 10), has been reported in ClinVar (accession VCV000572826.9) and in gnomAD with an allele frequency of 0.00105%. However, to our knowledge, it has not been reported in the scientific literature. In silico analysis is inconclusive regarding the impact of this variant. According to the currently available evidence, this variant has been classified as uncertain significance (PM2_P).

Labcorp Genetics (formerly Invitae), Labcorp
Classification: Uncertain significance for Hereditary nonpolyposis colorectal neoplasms. Last evaluated: 2025-11-25. Review status: criteria provided, single submitter. Criteria: Invitae Variant Classification Sherloc (09022015). Collection method: clinical testing. Allele origin: germline.
Comment: This sequence change replaces tyrosine, which is neutral and polar, with cysteine, which is neutral and slightly polar, at codon 469 of the MSH6 protein (p.Tyr469Cys). This variant is present in population databases (rs748165218, gnomAD 0.003%). This missense change has been observed in individual(s) with breast cancer and/or pancreatic cancer (PMID: 32980694, 35264596). ClinVar contains an entry for this variant (Variation ID: 231340). Invitae Evidence Modeling incorporating data from in vitro experimental studies (internal data) indicates that this missense variant is expected to disrupt MSH6 function with a positive predictive value of 95%. In summary, the available evidence is currently insufficient to determine the role of this variant in disease. Therefore, it has been classified as a Variant of Uncertain Significance.

All of Us Research Program, National Institutes of Health
Classification: Uncertain significance for Lynch syndrome. Last evaluated: 2024-09-23. Review status: criteria provided, single submitter. Criteria: ACMG Guidelines, 2015. Collection method: clinical testing. Allele origin: germline. Inheritance: Autosomal dominant inheritance. Observed: 3 variant alleles, 3 heterozygotes.
Comment: This missense variant replaces tyrosine with cysteine at codon 469 of the MSH6 protein. Computational prediction suggests that this variant may have deleterious impact on protein structure and function (internally defined REVEL score threshold >= 0.7, PMID: 27666373). To our knowledge, functional studies have not been reported for this variant. This variant has not been reported in individuals affected with MSH6-related disorders in the literature. This variant has been observed in individuals affected with breast cancer (PMID: 33007869, 35264596), lung cancer (PMID: 35712480), pancreatic cancer (PMID: 32980694), however, has also been observed in a number of unaffected controls (PMID: 32980694, 33471991, 36243179). This variant has been identified in 3/251178 chromosomes in the general population by the Genome Aggregation Database (gnomAD). The available evidence is insufficient to determine the role of this variant in disease conclusively. Therefore, this variant is classified as a Variant of Uncertain Significance.

This study involves interpretation of variants in research participants for the purpose of population health screening. Participant phenotype was not available at the time of variant classification. Additional details can be found in publication PMID: 35346344, PMCID: PMC8962531

Ambry Genetics
Classification: Uncertain significance for Hereditary cancer-predisposing syndrome. Last evaluated: 2024-06-20. Review status: criteria provided, single submitter. Criteria: Ambry Variant Classification Scheme 2023. Collection method: clinical testing. Allele origin: germline.
Comment: The p.Y469C variant (also known as c.1406A>G), located in coding exon 4 of the MSH6 gene, results from an A to G substitution at nucleotide position 1406. The tyrosine at codon 469 is replaced by cysteine, an amino acid with highly dissimilar properties. This alteration was identified in a Japanese population cohort of 2049 individuals who underwent whole-genome sequencing (Yamaguchi-Kabata Y et al. J Hum Genet, 2018 Feb;63:213-230). This alteration was also observed in a cohort of 431 patients with wild-type PTEN who met at least the relaxed diagnostic criteria of the International Cowden Consortium (Lee YR et al. N Engl J Med, 2020 05;382:2103-2116). This amino acid position is not well conserved in available vertebrate species. In addition, this alteration is predicted to be deleterious by in silico analysis. Since supporting evidence is limited at this time, the clinical significance of this alteration remains unclear.

Fulgent Genetics
Classification: Uncertain significance for Endometrial carcinoma; Lynch syndrome 5; Mismatch repair cancer syndrome 3. Last evaluated: 2024-06-20. Review status: criteria provided, single submitter. Criteria: ACMG Guidelines, 2015. Collection method: clinical testing. Allele origin: germline.

Color Diagnostics, LLC DBA Color Health
Classification: Uncertain significance for Hereditary cancer-predisposing syndrome. Last evaluated: 2024-04-10. Review status: criteria provided, single submitter. Criteria: ACMG Guidelines, 2015. Collection method: clinical testing. Allele origin: germline.
Comment: This missense variant replaces tyrosine with cysteine at codon 469 of the MSH6 protein. Computational prediction suggests that this variant may have deleterious impact on protein structure and function (internally defined REVEL score threshold >= 0.7, PMID: 27666373). To our knowledge, functional studies have not been reported for this variant. This variant has not been reported in individuals affected with MSH6-related disorders in the literature. This variant has been observed in individuals affected with breast cancer (PMID: 33007869, 35264596), lung cancer (PMID: 35712480), pancreatic cancer (PMID: 32980694), however, has also been observed in a number of unaffected controls (PMID: 32980694, 33471991, 36243179). This variant has been identified in 3/251178 chromosomes in the general population by the Genome Aggregation Database (gnomAD). The available evidence is insufficient to determine the role of this variant in disease conclusively. Therefore, this variant is classified as a Variant of Uncertain Significance.

Quest Diagnostics Nichols Institute San Juan Capistrano
Classification: Uncertain significance. Last evaluated: 2024-04-01. Review status: criteria provided, single submitter. Criteria: Quest Diagnostics criteria. Collection method: clinical testing. Allele origin: unknown.
Comment: The MSH6 c.1406A>G (p.Tyr469Cys) variant has been reported in the published literature in individuals with breast cancer (PMID: 35264596 (2022), 33007869 (2020), 33471991 (2021), see also LOVD) and lung cancer (PMID: 35712480 (2022)). This variant has also been observed in reportedly healthy individuals (PMID: 36243179 (2022), 33471991 (2021)). The frequency of this variant in the general population, 0.000012 (3/251178 chromosomes (Genome Aggregation Database)), is uninformative in the assessment of its pathogenicity. Analysis of this variant using bioinformatics tools for the prediction of the effect of amino acid changes on protein structure and function yielded conflicting predictions that this variant is benign or damaging. Based on the available information, we are unable to determine the clinical significance of this variant.

Baylor Genetics
Classification: Uncertain significance for Endometrial carcinoma. Last evaluated: 2023-12-24. Review status: criteria provided, single submitter. Criteria: ACMG Guidelines, 2015. Collection method: clinical testing. Allele origin: unknown.

GeneDx
Classification: Uncertain significance. Last evaluated: 2023-09-21. Review status: criteria provided, single submitter. Criteria: GeneDx Variant Classification Process June 2021. Collection method: clinical testing. Allele origin: germline. Affected: yes.
Comment: Not observed at significant frequency in large population cohorts (gnomAD); In silico analysis supports that this missense variant has a deleterious effect on protein structure/function; This variant is associated with the following publications: (PMID: 33007869, 17531815, 21120944, 29192238, 35264596, 36243179, 32980694, 32459922)

Mendelics
Classification: Uncertain significance for Lynch syndrome. Last evaluated: 2018-07-02. Review status: criteria provided, single submitter. Criteria: Mendelics Assertion Criteria 2017. Collection method: clinical testing. Allele origin: unknown.

Literature cited by the submitters: PubMed 32980694 (cited by 3 submitters); PubMed 35264596 (cited by 4 submitters); PubMed 33007869 (cited by 3 submitters); PubMed 33471991 (cited by 3 submitters); PubMed 35712480 (cited by 3 submitters); PubMed 36243179 (cited by 3 submitters); PubMed 29192238 (cited by Ambry Genetics and Quest Diagnostics Nichols Institute San Juan Capistrano); PubMed 32459922 (cited by Ambry Genetics).

NM_000179.3(MSH6):c.1406A>G (p.Tyr469Cys)

Gene: MSH6 (mutS homolog 6; plus strand). Cytogenetic location: 2p16.3.
Variant type: single nucleotide variant.
Coding change: c.1406A>G on transcript NM_000179.3 (MANE Select); coding-DNA position 1406, A replaced by G.
Protein change: p.Tyr469Cys; replaces tyrosine 469 with cysteine.
Molecular consequence: missense variant.
Genome position (GRCh38, 1-based): chr2:47,799,389, A>G. VCF-style: chr2-47799389-A-G. GRCh37 (hg19) VCF-style: chr2-48026528-A-G.
Other names: c.1016A>G, p.Tyr339Cys (NM_001281492.2); c.500A>G, p.Tyr167Cys (NM_001281493.2, NM_001281494.2); short protein forms Y469C, Y339C, Y167C.
Identifiers: ClinVar variation 231340 (VCV000231340.34), dbSNP rs748165218, ClinGen allele CA067588.